The following is an entry in ClinVar:

NM_001386298.1(CIC):c.565C>A (p.Pro189Thr)

Gene: CIC (capicua transcriptional repressor; plus strand). Cytogenetic location: 19q13.2.
Variant type: single nucleotide variant.
Coding change: c.565C>A on transcript NM_001386298.1 (MANE Select); coding-DNA position 565, C replaced by A.
Protein change: p.Pro189Thr; replaces proline 189 with threonine.
Molecular consequence: missense variant.
Genome position (GRCh38, 1-based): chr19:42,272,348, C>A. VCF-style: chr19-42272348-C-A. GRCh37 (hg19) VCF-style: chr19-42776500-C-A.
Other names: c.565C>A, p.Pro189Thr (NM_001304815.2, NM_001379480.1, NM_001379482.1); c.565C>A (NM_001304815.1); short protein forms P189T.
Identifiers: ClinVar variation 1694922 (VCV001694922.34), dbSNP rs543498277, ClinGen allele CA308614610.

ClinVar aggregate classification (germline): Benign/Likely benign. Review status: criteria provided, multiple submitters, no conflicts (2 of 4 stars). 4 submissions from 4 submitters: Benign (1); Likely benign (2). 1 of the submissions does not count toward it. Last evaluated 2026-07-01.

Conditions:
CIC-related disorder. Also called: CIC-related condition.

Allele frequency attached by ClinVar (database versions not stated): 1000 Genomes Project 30x 0.00156; 1000 Genomes Project 0.00160; gnomAD exomes 0.00173.
gnomAD v4.1: 654 of 398,550 alleles (0.16%); highest among the groups gnomAD compares: Middle Eastern, 1.3%; 7 homozygotes.

Submissions (4):

CeGaT Center for Human Genetics Tuebingen
Classification: Benign. Last evaluated: 2026-07-01. Review status: criteria provided, single submitter. Criteria: CeGaT Center For Human Genetics Tuebingen Variant Classification Criteria Version 2. Collection method: clinical testing. Allele origin: germline. Affected: yes. Observed: 25 variant alleles.
Comment: CIC: BS1, BS2

Laboratory of Genetics, Children's Clinical University Hospital Latvia
Classification: Likely benign. Last evaluated: 2025-02-16. Review status: criteria provided, single submitter. Criteria: ACMG Guidelines, 2015. Collection method: clinical testing. Allele origin: germline. Affected: yes.

Blueprint Genetics
Classification: Likely benign. Last evaluated: 2024-10-23. Review status: criteria provided, single submitter. Criteria: ACMG Guidelines, 2015. Collection method: clinical testing. Allele origin: germline.

PreventionGenetics, part of Exact Sciences
Classification: Likely benign for CIC-related condition. Last evaluated: 2019-05-13. Review status: no assertion criteria provided. Collection method: clinical testing. Allele origin: germline. Not counted in ClinVar's aggregate classification.
Comment: This variant is classified as likely benign based on ACMG/AMP sequence variant interpretation guidelines (Richards et al. 2015 PMID: 25741868, with internal and published modifications).